The following is an entry in ClinVar:

ClinVar aggregate classification (germline): Uncertain significance (0 of 4 stars; one submission).

Conditions:
IKZF1-related disorder. Also called: IKZF1-related condition.

Submission:

PreventionGenetics, part of Exact Sciences
Classification: Uncertain significance for IKZF1-related condition. Last evaluated: 2024-04-10. Review status: no assertion criteria provided. Collection method: clinical testing. Allele origin: germline.
Comment: The IKZF1 c.172G>A variant is predicted to result in the amino acid substitution p.Ala58Thr. Of note, in the primary transcript listed in the Human Gene Mutation Database, this variant is referred to as NM_006060:c.161-8516G>A (Intronic). To our knowledge, this variant has not been reported in the literature or in a large population database, indicating this variant is rare. At this time, the clinical significance of this variant is uncertain due to the absence of conclusive functional and genetic evidence.

NM_006060.6(IKZF1):c.161-8516G>A

Gene: IKZF1 (IKAROS family zinc finger 1; plus strand). Cytogenetic location: 7p12.2.
Variant type: single nucleotide variant.
Coding change: c.161-8516G>A on transcript NM_006060.6 (MANE Select); 8516 bases into the intron before coding-DNA position 161, G replaced by A.
Molecular consequence: intron variant. On other transcripts: missense variant (4).
Genome position (GRCh38, 1-based): chr7:50,368,017, G>A. VCF-style: chr7-50368017-G-A. GRCh37 (hg19) VCF-style: chr7-50435715-G-A.
Other names: c.172G>A, p.Ala58Thr (NM_001291845.2, NM_001291846.2, NM_001291847.2 and 1 more transcripts); c.161-14523G>A (NM_001291839.2, NM_001291838.2, NM_001220767.2 and 1 more transcripts); c.161-8516G>A (NM_001220765.3, NM_001291837.2, NM_001220768.2 and 1 more transcripts); c.161-19328G>A (NM_001291841.1, NM_001291842.1); c.161-23712G>A (NM_001291843.1, NM_001291844.1); c.161-31901G>A (NM_001291840.1); short protein forms A58T.
Identifiers: ClinVar variation 3355128 (VCV003355128.1).